The following is an entry in ClinVar:

NM_001089.3(ABCA3):c.75G>A (p.Thr25=)

Gene: ABCA3 (ATP binding cassette subfamily A member 3; minus strand). Cytogenetic location: 16p13.3.
Variant type: single nucleotide variant.
Coding change: c.75G>A on transcript NM_001089.3 (MANE Select); coding-DNA position 75, G replaced by A.
Protein change: p.Thr25=; no amino-acid change (threonine 25 retained).
Molecular consequence: synonymous variant.
Genome position (GRCh38, 1-based): chr16:2,326,254, C>T on the plus strand (G>A on the coding strand, the complement: ABCA3 is on the minus strand). VCF-style: chr16-2326254-C-T. GRCh37 (hg19) VCF-style: chr16-2376255-C-T.
Identifiers: ClinVar variation 318578 (VCV000318578.13), dbSNP rs373150694, ClinGen allele CA7841790.

ClinVar aggregate classification (germline): Conflicting classifications of pathogenicity. Review status: criteria provided, conflicting classifications (1 of 4 stars). 5 submissions from 5 submitters: Uncertain significance (1); Likely benign (3). 1 of the submissions does not count toward it. Last evaluated 2026-06-14.

Conditions:
ABCA3-related disorder. Also called: ABCA3-related condition.
Hereditary pulmonary alveolar proteinosis. Also called: Pulmonary surfactant metabolism dysfunction. Identifiers: Orphanet 264675, MedGen C3711368, MONDO:0012580.
Interstitial lung disease due to ABCA3 deficiency. Also called: PULMONARY ALVEOLAR PROTEINOSIS, CONGENITAL, 3. Identifiers: Orphanet 440402, MedGen C1970456, MONDO:0012582, OMIM 610921.

Allele frequency attached by ClinVar (database versions not stated): gnomAD exomes 0.00005 and 0.00010; gnomAD 0.00006 and 0.00007; ESP Exome Variant Server 0.00008; TOPMed 0.00010; ExAC 0.00012.
gnomAD v4.1: 97 of 1,613,408 alleles (0.006%); highest among the groups gnomAD compares: East Asian, 0.02%; 1 homozygote.

Submissions (5):

Ambry Genetics
Classification: Likely benign for Hereditary pulmonary alveolar proteinosis. Last evaluated: 2026-06-14. Review status: criteria provided, single submitter. Criteria: Ambry Variant Classification Scheme 2023. Collection method: clinical testing. Allele origin: germline.

Labcorp Genetics (formerly Invitae), Labcorp
Classification: Likely benign. Last evaluated: 2026-01-28. Review status: criteria provided, single submitter. Criteria: Invitae Variant Classification Sherloc (09022015). Collection method: clinical testing. Allele origin: germline.

Blueprint Genetics
Classification: Likely benign. Last evaluated: 2024-02-20. Review status: criteria provided, single submitter. Criteria: ACMG Guidelines, 2015. Collection method: clinical testing. Allele origin: germline.

Illumina Laboratory Services, Illumina
Classification: Uncertain significance for Interstitial lung disease due to ABCA3 deficiency. Last evaluated: 2018-01-13. Review status: criteria provided, single submitter. Criteria: ICSL Variant Classification Criteria 13 December 2019. Collection method: clinical testing. Allele origin: germline.

PreventionGenetics, part of Exact Sciences
Classification: Likely benign for ABCA3-related condition. Last evaluated: 2019-02-22. Review status: no assertion criteria provided. Collection method: clinical testing. Allele origin: germline. Not counted in ClinVar's aggregate classification.
Comment: This variant is classified as likely benign based on ACMG/AMP sequence variant interpretation guidelines (Richards et al. 2015 PMID: 25741868, with internal and published modifications).